The following is an entry in ClinVar:

ClinVar aggregate classification (germline): Uncertain significance. Review status: criteria provided, multiple submitters, no conflicts (2 of 4 stars). 2 submissions from 2 submitters: Uncertain significance (2). Last evaluated 2023-01-31.

Allele frequency attached by ClinVar (database versions not stated): gnomAD exomes below 0.00001; ExAC 0.00001.
gnomAD v4.1: 5 of 1,613,932 alleles (0.00031%); highest among the groups gnomAD compares: Middle Eastern, 0.017%; no homozygotes.

Submissions (2):

Blueprint Genetics
Classification: Uncertain significance. Last evaluated: 2023-01-31. Review status: criteria provided, single submitter. Criteria: ACMG Guidelines, 2015. Collection method: clinical testing. Allele origin: germline.

Labcorp Genetics (formerly Invitae), Labcorp
Classification: Uncertain significance. Last evaluated: 2022-07-18. Review status: criteria provided, single submitter. Criteria: Invitae Variant Classification Sherloc (09022015). Collection method: clinical testing. Allele origin: germline.
Comment: This sequence change replaces leucine, which is neutral and non-polar, with serine, which is neutral and polar, at codon 365 of the CACNA2D4 protein (p.Leu365Ser). In summary, the available evidence is currently insufficient to determine the role of this variant in disease. Therefore, it has been classified as a Variant of Uncertain Significance. Algorithms developed to predict the effect of missense changes on protein structure and function (SIFT, PolyPhen-2, Align-GVGD) all suggest that this variant is likely to be disruptive. ClinVar contains an entry for this variant (Variation ID: 1060980). This variant has not been reported in the literature in individuals affected with CACNA2D4-related conditions. This variant is present in population databases (rs758310447, gnomAD 0.003%).

NM_172364.5(CACNA2D4):c.1094T>C (p.Leu365Ser)

Gene: CACNA2D4 (calcium voltage-gated channel auxiliary subunit alpha2delta 4; minus strand). Cytogenetic location: 12p13.33.
Variant type: single nucleotide variant.
Coding change: c.1094T>C on transcript NM_172364.5 (MANE Select); coding-DNA position 1094, T replaced by C.
Protein change: p.Leu365Ser; replaces leucine 365 with serine.
Molecular consequence: missense variant.
Genome position (GRCh38, 1-based): chr12:1,885,051, A>G on the plus strand (T>C on the coding strand, the complement: CACNA2D4 is on the minus strand). VCF-style: chr12-1885051-A-G. GRCh37 (hg19) VCF-style: chr12-1994217-A-G.
Other names: short protein forms L365S.
Identifiers: ClinVar variation 1060980 (VCV001060980.10), dbSNP rs758310447, ClinGen allele CA6387280.